The following is an entry in ClinVar:

ClinVar aggregate classification (germline): Likely benign. Review status: criteria provided, multiple submitters, no conflicts (2 of 4 stars). 2 submissions from 2 submitters: Likely benign (2). Last evaluated 2025-10-15.

Conditions:
Dystonic disorder. Also called: Dystonia. Identifiers: MedGen C0013421, MONDO:0003441, HP:0001332.
SPR-related disorder. Also called: SPR-related condition.

Allele frequency attached by ClinVar (database versions not stated): gnomAD exomes 0.00001; TOPMed 0.00001.
gnomAD v4.1: 4 of 1,512,858 alleles (0.00026%); highest among the groups gnomAD compares: Non-Finnish European, 0.00018%; no homozygotes.

Submissions (2):

PreventionGenetics, part of Exact Sciences
Classification: Likely benign for SPR-related condition. Last evaluated: 2025-10-15. Review status: criteria provided, single submitter. Criteria: ACMG Guidelines, 2015. Collection method: clinical testing. Allele origin: germline.
Comment: This variant is classified as likely benign based on ACMG/AMP sequence variant interpretation guidelines (Richards et al. 2015 PMID: 25741868, with internal and published modifications).

Labcorp Genetics (formerly Invitae), Labcorp
Classification: Likely benign for Dystonic disorder. Last evaluated: 2024-01-21. Review status: criteria provided, single submitter. Criteria: Invitae Variant Classification Sherloc (09022015). Collection method: clinical testing. Allele origin: germline.

NM_003124.5(SPR):c.297C>T (p.Asn99=)

Gene: SPR (sepiapterin reductase; plus strand). Cytogenetic location: 2p13.2.
Variant type: single nucleotide variant.
Coding change: c.297C>T on transcript NM_003124.5 (MANE Select); coding-DNA position 297, C replaced by T.
Protein change: p.Asn99=; no amino-acid change (asparagine 99 retained).
Molecular consequence: synonymous variant.
Genome position (GRCh38, 1-based): chr2:72,887,729, C>T. VCF-style: chr2-72887729-C-T. GRCh37 (hg19) VCF-style: chr2-73114858-C-T.
Other names: c.297C>T (NM_003124.4).
Identifiers: ClinVar variation 2725787 (VCV002725787.4), dbSNP rs1475888044, ClinGen allele CA426703360.